The following is an entry in ClinVar:

ClinVar aggregate classification (germline): Uncertain significance (1 of 4 stars; one submission).

Conditions:
Alagille syndrome due to a JAG1 point mutation. Also called: HEPATIC DUCTULAR HYPOPLASIA, SYNDROMATIC; JAG1-Related Alagille Syndrome; Alagille Syndrome 1. Identifiers: Orphanet 261619, Orphanet 52, MedGen C1956125, MONDO:0016862, OMIM 118450.

Submission:

Labcorp Genetics (formerly Invitae), Labcorp
Classification: Uncertain significance for Alagille syndrome due to a JAG1 point mutation. Last evaluated: 2023-12-03. Review status: criteria provided, single submitter. Criteria: Invitae Variant Classification Sherloc (09022015). Collection method: clinical testing. Allele origin: germline.
Comment: This sequence change replaces threonine, which is neutral and polar, with isoleucine, which is neutral and non-polar, at codon 666 of the JAG1 protein (p.Thr666Ile). This variant is not present in population databases (gnomAD no frequency). This variant has not been reported in the literature in individuals affected with JAG1-related conditions. ClinVar contains an entry for this variant (Variation ID: 1395953). An algorithm developed to predict the effect of missense changes on protein structure and function (PolyPhen-2) suggests that this variant is likely to be tolerated. In summary, the available evidence is currently insufficient to determine the role of this variant in disease. Therefore, it has been classified as a Variant of Uncertain Significance.

NM_000214.3(JAG1):c.1997C>T (p.Thr666Ile)

Gene: JAG1 (jagged canonical Notch ligand 1; minus strand). Cytogenetic location: 20p12.2.
Variant type: single nucleotide variant.
Coding change: c.1997C>T on transcript NM_000214.3 (MANE Select); coding-DNA position 1997, C replaced by T.
Protein change: p.Thr666Ile; replaces threonine 666 with isoleucine.
Molecular consequence: missense variant.
Genome position (GRCh38, 1-based): chr20:10,645,973, G>A on the plus strand (C>T on the coding strand, the complement: JAG1 is on the minus strand). VCF-style: chr20-10645973-G-A. GRCh37 (hg19) VCF-style: chr20-10626621-G-A.
Other names: short protein forms T666I.
Identifiers: ClinVar variation 1395953 (VCV001395953.6), dbSNP rs2122604394, ClinGen allele CA408235647.